The following is an entry in ClinVar:

ClinVar aggregate classification (germline): Uncertain significance. Review status: criteria provided, multiple submitters, no conflicts (2 of 4 stars). 2 submissions from 2 submitters: Uncertain significance (2). Last evaluated 2025-08-03.

Allele frequency attached by ClinVar (database versions not stated): ExAC 0.00026; gnomAD exomes 0.00028; ESP Exome Variant Server 0.00038; gnomAD 0.00055 and 0.00057; TOPMed 0.00055; 1000 Genomes Project 0.00060; 1000 Genomes Project 30x 0.00094.

Submissions (2):

Ambry Genetics
Classification: Uncertain significance. Last evaluated: 2025-08-03. Review status: criteria provided, single submitter. Criteria: Ambry Variant Classification Scheme 2023. Collection method: clinical testing. Allele origin: germline.

Labcorp Genetics (formerly Invitae), Labcorp
Classification: Uncertain significance. Last evaluated: 2022-10-19. Review status: criteria provided, single submitter. Criteria: Invitae Variant Classification Sherloc (09022015). Collection method: clinical testing. Allele origin: germline.
Comment: This sequence change replaces valine, which is neutral and non-polar, with isoleucine, which is neutral and non-polar, at codon 76 of the GOT2 protein (p.Val76Ile). This variant is present in population databases (rs144716246, gnomAD 0.2%). This variant has not been reported in the literature in individuals affected with GOT2-related conditions. ClinVar contains an entry for this variant (Variation ID: 1436360). Advanced modeling of protein sequence and biophysical properties (such as structural, functional, and spatial information, amino acid conservation, physicochemical variation, residue mobility, and thermodynamic stability) performed at Invitae indicates that this missense variant is not expected to disrupt GOT2 protein function. In summary, the available evidence is currently insufficient to determine the role of this variant in disease. Therefore, it has been classified as a Variant of Uncertain Significance.

NM_002080.4(GOT2):c.226G>A (p.Val76Ile)

Gene: GOT2 (glutamic-oxaloacetic transaminase 2; minus strand). Cytogenetic location: 16q21.
Variant type: single nucleotide variant.
Coding change: c.226G>A on transcript NM_002080.4 (MANE Select); coding-DNA position 226, G replaced by A.
Protein change: p.Val76Ile; replaces valine 76 with isoleucine.
Molecular consequence: missense variant.
Genome position (GRCh38, 1-based): chr16:58,723,766, C>T on the plus strand (G>A on the coding strand, the complement: GOT2 is on the minus strand). VCF-style: chr16-58723766-C-T. GRCh37 (hg19) VCF-style: chr16-58757670-C-T.
Other names: c.226G>A, p.Val76Ile (NM_001286220.2); c.226G>A (NM_002080.2); short protein forms V76I.
Identifiers: ClinVar variation 1436360 (VCV001436360.5), dbSNP rs144716246, ClinGen allele CA8091121.